The following is an entry in ClinVar:

ClinVar aggregate classification (germline): Pathogenic (1 of 4 stars; one submission).

Submission:

Labcorp Genetics (formerly Invitae), Labcorp
Classification: Pathogenic. Last evaluated: 2024-02-13. Review status: criteria provided, single submitter. Criteria: Invitae Variant Classification Sherloc (09022015). Collection method: clinical testing. Allele origin: germline.
Comment: This variant results in the deletion of part of exon 76 (c.6334_6348+29delinsACATG) of the COL7A1 gene. It is expected to disrupt splicing. Variants that disrupt the donor or acceptor splice site typically lead to a loss of protein function (PMID: 16199547), and loss-of-function variants in COL7A1 are known to be disease-causing for autosomal recessive dystrophic epidermolysis bullosa (PMID: 16971478). However, certain variants affecting donor or acceptor splice sites in the triple helical domain of COL7A1 are expected to result in in-frame exon skipping and have been reported to cause autosomal dominant dystrophic epidermolysis bullosa (PMID: 31670143). This variant is not present in population databases (gnomAD no frequency). This variant has not been reported in the literature in individuals affected with COL7A1-related conditions. This variant disrupts the triple helix domain of COL7A1. Glycine residues within the Gly-Xaa-Yaa repeats of the triple helix domain are required for the structure and stability of fibrillar collagens (PMID: 7695699, 8218237, 19344236), and variants at these glycine residues in COL7A1 are more frequently observed in individuals with disease than in the general population (PMID: 22058051). However, the clinical significance of this observation remains uncertain since only a limited number of affected individuals have been described to date. This variant disrupts a region of the COL7A1 protein in which other variant(s) (p.Gly2114Val) have been determined to be pathogenic (Invitae). This suggests that this is a clinically significant region of the protein, and that variants that disrupt it are likely to be disease-causing. For these reasons, this variant has been classified as Pathogenic.

Literature cited by the submitters: PubMed 16199547; PubMed 16971478; PubMed 31670143; PubMed 7695699; PubMed 8218237; PubMed 19344236; PubMed 22058051.

NM_000094.4(COL7A1):c.6334_6348+29delinsACATG

Gene: COL7A1 (collagen type VII alpha 1 chain; minus strand). Cytogenetic location: 3p21.31.
Variant type: Indel.
Coding change: c.6334_6348+29delinsACATG on transcript NM_000094.4 (MANE Select); coding-DNA position 6334 through 29 bases into the intron after coding-DNA position 6348, the reference bases replaced by ACATG.
Molecular consequence: splice donor variant.
Genome position (GRCh38, 1-based): chr3:48,574,768-48,574,811, 44 bases replaced. GRCh37 (hg19): chr3:48,612,201-48,612,244.
Identifiers: ClinVar variation 3640547 (VCV003640547.2).
Genomic context (GRCh38, chr3:48,574,768, plus strand): 5'-CTGCCCGGCTCCCCCTGTGGGGATGAGATGTCAAGTCAGTCCCTAGTGCCATGGCAGAGG[GTGGCCCCGAGCTGATTCCACACACTGACCTTAGCACCCTTGAG>CATGT]TCCAGGGGGTCCCTGTTCTCCAGAGAGTCCAGGACCTGGCTCATCCACAGACACCTACAA-3'